The following is an entry in ClinVar:

ClinVar aggregate classification (germline): Benign. Review status: criteria provided, multiple submitters, no conflicts (2 of 4 stars). 4 submissions from 4 submitters: Benign (3). 1 of the submissions does not count toward it. Last evaluated 2025-12-25.

Conditions:
CUBN-related disorder. Also called: CUBN-related condition.
Imerslund-Grasbeck syndrome type 1 (IGS1). Also called: MEGALOBLASTIC ANEMIA, 1; Imerslund-Gräsbeck syndrome 1; Megaloblastic anemia 1, Finnish type. Identifiers: MedGen C4016819, MONDO:0100156, OMIM 261100.
Imerslund-Grasbeck syndrome. Also called: Megaloblastic anemia due to inborn errors of metabolism; Imerslund-Gräsbeck syndrome; ENTEROCYTE COBALAMIN MALABSORPTION; ENTEROCYTE INTRINSIC FACTOR RECEPTOR, DEFECT OF; PERNICIOUS ANEMIA, JUVENILE, DUE TO SELECTIVE INTESTINAL MALABSORPTION OF VITAMIN B12, WITH PROTEINURIA. Identifiers: Orphanet 35858, MedGen C4551825, MONDO:0009853.

Allele frequency attached by ClinVar (database versions not stated): gnomAD 0.00034 and 0.00064; TOPMed 0.00045; ESP Exome Variant Server 0.00046; gnomAD exomes 0.00192; ExAC 0.00211; 1000 Genomes Project 0.00319; 1000 Genomes Project 30x 0.00344.
gnomAD v4.1: 1,855 of 1,614,102 alleles (0.11%); highest among the groups gnomAD compares: South Asian, 1%; 12 homozygotes.

Submissions (4):

Labcorp Genetics (formerly Invitae), Labcorp
Classification: Benign for Imerslund-Grasbeck syndrome. Last evaluated: 2025-12-25. Review status: criteria provided, single submitter. Criteria: Invitae Variant Classification Sherloc (09022015). Collection method: clinical testing. Allele origin: germline.

CeGaT Center for Human Genetics Tuebingen
Classification: Benign. Last evaluated: 2022-10-01. Review status: criteria provided, single submitter. Criteria: CeGaT Center For Human Genetics Tuebingen Variant Classification Criteria Version 2. Collection method: clinical testing. Allele origin: germline. Affected: yes. Observed: 1 variant allele.
Comment: CUBN: BP4, BS1, BS2

Illumina Laboratory Services, Illumina
Classification: Benign for Imerslund-Grasbeck syndrome type 1. Last evaluated: 2018-01-13. Review status: criteria provided, single submitter. Criteria: ICSL Variant Classification Criteria 13 December 2019. Collection method: clinical testing. Allele origin: germline.
Comment: This variant was observed in the ICSL laboratory as part of a predisposition screen in an ostensibly healthy population. It had not been previously curated by ICSL or reported in the Human Gene Mutation Database (HGMD: prior to June 1st, 2018), and was therefore a candidate for classification through an automated scoring system. Utilizing variant allele frequency, disease prevalence and penetrance estimates, and inheritance mode, an automated score was calculated to assess if this variant is too frequent to cause the disease. Based on the score and internal cut-off values, a variant classified as benign is not then subjected to further curation. The score for this variant resulted in a classification of benign for this disease.

PreventionGenetics, part of Exact Sciences
Classification: Benign for CUBN-related condition. Last evaluated: 2019-06-10. Review status: no assertion criteria provided. Collection method: clinical testing. Allele origin: germline. Not counted in ClinVar's aggregate classification.
Comment: This variant is classified as benign based on ACMG/AMP sequence variant interpretation guidelines (Richards et al. 2015 PMID: 25741868, with internal and published modifications).

NM_001081.4(CUBN):c.8671G>A (p.Val2891Ile)

Gene: CUBN (cubilin; minus strand). Cytogenetic location: 10p13.
Variant type: single nucleotide variant.
Coding change: c.8671G>A on transcript NM_001081.4 (MANE Select); coding-DNA position 8671, G replaced by A.
Protein change: p.Val2891Ile; replaces valine 2891 with isoleucine.
Molecular consequence: missense variant.
Genome position (GRCh38, 1-based): chr10:16,890,455, C>T on the plus strand (G>A on the coding strand, the complement: CUBN is on the minus strand). VCF-style: chr10-16890455-C-T. GRCh37 (hg19) VCF-style: chr10-16932454-C-T.
Other names: short protein forms V2891I.
Identifiers: ClinVar variation 299397 (VCV000299397.50), dbSNP rs150488625, ClinGen allele CA5422948.